The following is an entry in ClinVar:

NM_005458.8(GABBR2):c.853T>C (p.Tyr285His)

Gene: GABBR2 (gamma-aminobutyric acid type B receptor subunit 2; minus strand). Cytogenetic location: 9q22.33.
Variant type: single nucleotide variant.
Coding change: c.853T>C on transcript NM_005458.8 (MANE Select); coding-DNA position 853, T replaced by C.
Protein change: p.Tyr285His; replaces tyrosine 285 with histidine.
Molecular consequence: missense variant.
Genome position (GRCh38, 1-based): chr9:98,473,292, A>G on the plus strand (T>C on the coding strand, the complement: GABBR2 is on the minus strand). VCF-style: chr9-98473292-A-G. GRCh37 (hg19) VCF-style: chr9-101235574-A-G.
Other names: short protein forms Y285H.
Identifiers: ClinVar variation 1715503 (VCV001715503.5), dbSNP rs2491670824, ClinGen allele CA374351549.

ClinVar aggregate classification (germline): Uncertain significance (1 of 4 stars; one submission).

Conditions:
Epileptic encephalopathy. Identifiers: MedGen C0543888, HP:0200134.

Submission:

Labcorp Genetics (formerly Invitae), Labcorp
Classification: Uncertain significance for Epileptic encephalopathy. Last evaluated: 2022-10-17. Review status: criteria provided, single submitter. Criteria: Invitae Variant Classification Sherloc (09022015). Collection method: clinical testing. Allele origin: germline.
Comment: In summary, the available evidence is currently insufficient to determine the role of this variant in disease. Therefore, it has been classified as a Variant of Uncertain Significance. Advanced modeling of protein sequence and biophysical properties (such as structural, functional, and spatial information, amino acid conservation, physicochemical variation, residue mobility, and thermodynamic stability) performed at Invitae indicates that this missense variant is not expected to disrupt GABBR2 protein function. This variant has not been reported in the literature in individuals affected with GABBR2-related conditions. This variant is not present in population databases (gnomAD no frequency). This sequence change replaces tyrosine, which is neutral and polar, with histidine, which is basic and polar, at codon 285 of the GABBR2 protein (p.Tyr285His).